The following is an entry in ClinVar:

NM_004960.4(FUS):c.1510_1514dup (p.Phe506fs)

Gene: FUS (FUS RNA binding protein; plus strand). Cytogenetic location: 16p11.2.
Variant type: Duplication.
Coding change: c.1510_1514dup on transcript NM_004960.4 (MANE Select); coding-DNA positions 1510 to 1514, 5 bases duplicated (GGTGG; older notation c.1510_1514dupGGTGG).
Protein change: p.Phe506fs; shifts the reading frame from phenylalanine 506.
Molecular consequence: frameshift variant. On other transcripts: non-coding transcript variant (1).
Genome position (GRCh38, 1-based): chr16:31,191,079-31,191,083, GGTGG duplicated. VCF-style (leftmost placement, unchanged base first): chr16-31191078-A-AGGTGG. GRCh37 (hg19) VCF-style: chr16-31202399-A-AGGTGG.
Other names: c.1507_1511dup, p.Phe505fs (NM_001170634.1); c.1498_1502dup, p.Phe502fs (NM_001170937.1); c.1510_1514dupGGTGG (NM_004960.3); short protein forms F505fs, F502fs, F506fs.
Identifiers: ClinVar variation 280602 (VCV000280602.2), dbSNP rs886041776, ClinGen allele CA10603320.

ClinVar aggregate classification (germline): Pathogenic (1 of 4 stars; one submission).

Submission:

GeneDx
Classification: Pathogenic. Last evaluated: 2016-05-13. Review status: criteria provided, single submitter. Criteria: GeneDx Variant Classification (06012015). Collection method: clinical testing. Allele origin: germline. Affected: yes.
Comment: The c.1510_1514dupGGTGG pathogenic variant in the FUS gene has not been reported previously as a pathogenic variant nor as a benign variant, to our knowledge. This variant causes a frameshift starting with codon Phenylalanine 506, changes this amino acid to a Valine residue, and creates a Stop codon at position 25 of the new reading frame, denoted p.Phe506ValfsX25. This frameshift variant replaces the typical last 21 amino acid residues in the FUS protein with 24 different amino acid residues, and is expected to alter the normal structure and function of the resultant protein. The c.1510_1514dupGGTGG variant was not observed in approximately 6300 individuals of European and African American ancestry in the NHLBI Exome Sequencing Project, indicating it is not a common benign variant in these populations. We interpret c.1510_1514dupGGTGG as a pathogenic variant.